The following is an entry in ClinVar:

NM_052874.5(STX1B):c.311G>A (p.Gly104Glu)

Gene: STX1B (syntaxin 1B; minus strand). Cytogenetic location: 16p11.2.
Variant type: single nucleotide variant.
Coding change: c.311G>A on transcript NM_052874.5 (MANE Select); coding-DNA position 311, G replaced by A.
Protein change: p.Gly104Glu; replaces glycine 104 with glutamic acid.
Molecular consequence: missense variant.
Genome position (GRCh38, 1-based): chr16:30,997,545, C>T on the plus strand (G>A on the coding strand, the complement: STX1B is on the minus strand). VCF-style: chr16-30997545-C-T. GRCh37 (hg19) VCF-style: chr16-31008866-C-T.
Other names: short protein forms G104E.
Identifiers: ClinVar variation 1016268 (VCV001016268.8), dbSNP rs2056602250, ClinGen allele CA395649745.

ClinVar aggregate classification (germline): Uncertain significance (1 of 4 stars; one submission).

Conditions:
Generalized epilepsy with febrile seizures plus, type 9 (GEFSP9). Also called: GEFS+, TYPE 9. Identifiers: Orphanet 36387, MedGen C4015395, MONDO:0014517, OMIM 616172.

Submission:

Labcorp Genetics (formerly Invitae), Labcorp
Classification: Uncertain significance for Generalized epilepsy with febrile seizures plus, type 9. Last evaluated: 2021-04-30. Review status: criteria provided, single submitter. Criteria: Invitae Variant Classification Sherloc (09022015). Collection method: clinical testing. Allele origin: germline.
Comment: In summary, the available evidence is currently insufficient to determine the role of this variant in disease. Therefore, it has been classified as a Variant of Uncertain Significance. Algorithms developed to predict the effect of missense changes on protein structure and function (SIFT, PolyPhen-2, Align-GVGD) all suggest that this variant is likely to be tolerated, but these predictions have not been confirmed by published functional studies and their clinical significance is uncertain. This variant has not been reported in the literature in individuals with STX1B-related conditions. This variant is not present in population databases (ExAC no frequency). This sequence change replaces glycine with glutamic acid at codon 104 of the STX1B protein (p.Gly104Glu). The glycine residue is highly conserved and there is a moderate physicochemical difference between glycine and glutamic acid.